The following is an entry in ClinVar:

NM_003242.6(TGFBR2):c.1524+3A>G

Gene: TGFBR2 (transforming growth factor beta receptor 2; plus strand). Cytogenetic location: 3p24.1.
Variant type: single nucleotide variant.
Coding change: c.1524+3A>G on transcript NM_003242.6 (MANE Select); 3 bases into the intron after coding-DNA position 1524, A replaced by G.
Molecular consequence: intron variant.
Genome position (GRCh38, 1-based): chr3:30,688,514, A>G. VCF-style: chr3-30688514-A-G. GRCh37 (hg19) VCF-style: chr3-30730006-A-G.
Other names: c.1527+3A>G (NM_001407129.1); c.1419+3A>G (NM_001407132.1, NM_001407136.1, NM_001407133.1 and 2 more transcripts); c.1707+3A>G (NM_001407126.1); c.1599+3A>G (NM_001024847.3); c.654+3A>G (NM_001407139.1); c.1239+3A>G (NM_001407137.1); c.1632+3A>G (NM_001407127.1); c.1521+3A>G (NM_001407130.1); and 2 more.
Identifiers: ClinVar variation 925293 (VCV000925293.8), dbSNP rs1486137817, ClinGen allele CA541687547.

ClinVar aggregate classification (germline): Conflicting classifications of pathogenicity. Review status: criteria provided, conflicting classifications (1 of 4 stars). 4 submissions from 4 submitters: Uncertain significance (3); Likely benign (1). Last evaluated 2026-01-12.

Conditions:
Familial thoracic aortic aneurysm and aortic dissection (TAAD). Also called: Thoracic aortic aneurysms and dissections. Identifiers: Orphanet 91387, MedGen C4707243, MONDO:0019625.

Allele frequency attached by ClinVar (database versions not stated): gnomAD exomes below 0.00001 and 0.00002.
gnomAD v4.1: 32 of 1,614,168 alleles (0.002%); highest among the groups gnomAD compares: Non-Finnish European, 0.0026%; no homozygotes.

Submissions (4):

Labcorp Genetics (formerly Invitae), Labcorp
Classification: Uncertain significance for Familial thoracic aortic aneurysm and aortic dissection. Last evaluated: 2026-01-12. Review status: criteria provided, single submitter. Criteria: Invitae Variant Classification Sherloc (09022015). Collection method: clinical testing. Allele origin: germline.
Comment: This sequence change falls in intron 6 of the TGFBR2 gene. It does not directly change the encoded amino acid sequence of the TGFBR2 protein. It affects a nucleotide within the consensus splice site. This variant is present in population databases (no rsID available, gnomAD 0.0009%). This variant has not been reported in the literature in individuals affected with TGFBR2-related conditions. ClinVar contains an entry for this variant (Variation ID: 925293). Variants that disrupt the consensus splice site are a relatively common cause of aberrant splicing (PMID: 17576681, 9536098). Algorithms developed to predict the effect of sequence changes on RNA splicing suggest that this variant is not likely to affect RNA splicing. In summary, the available evidence is currently insufficient to determine the role of this variant in disease. Therefore, it has been classified as a Variant of Uncertain Significance.

Ambry Genetics
Classification: Uncertain significance for Familial thoracic aortic aneurysm and aortic dissection. Last evaluated: 2025-12-22. Review status: criteria provided, single submitter. Criteria: Ambry Variant Classification Scheme 2023. Collection method: clinical testing. Allele origin: germline.
Comment: The c.1524+3A>G intronic variant results from an A to G substitution 3 nucleotides after coding exon 6 in the TGFBR2 gene. This nucleotide position is not well conserved in available vertebrate species. In silico splice site analysis predicts that this alteration may result in the creation or strengthening of a novel splice donor site. Based on the available evidence, the clinical significance of this variant remains unclear.

GeneDx
Classification: Uncertain significance. Last evaluated: 2025-06-16. Review status: criteria provided, single submitter. Criteria: GeneDx Variant Classification Process June 2021. Collection method: clinical testing. Allele origin: germline. Affected: yes.
Comment: Not observed at significant frequency in large population cohorts (gnomAD); In silico analysis suggests this variant may impact gene splicing. In the absence of RNA/functional studies, the actual effect of this sequence change is unknown.; Has not been previously published as pathogenic or benign to our knowledge

Color Diagnostics, LLC DBA Color Health
Classification: Likely benign for Familial thoracic aortic aneurysm and aortic dissection. Last evaluated: 2018-11-14. Review status: criteria provided, single submitter. Criteria: ACMG Guidelines, 2015. Collection method: clinical testing. Allele origin: germline.

Literature cited by the submitters: PubMed 17576681 (cited by Labcorp Genetics (formerly Invitae), Labcorp); PubMed 9536098 (cited by Labcorp Genetics (formerly Invitae), Labcorp).